The following is an entry in ClinVar:

NM_000287.4(PEX6):c.2873T>G (p.Leu958Arg)

Gene: PEX6 (peroxisomal biogenesis factor 6; minus strand). Cytogenetic location: 6p21.1.
Variant type: single nucleotide variant.
Coding change: c.2873T>G on transcript NM_000287.4 (MANE Select); coding-DNA position 2873, T replaced by G.
Protein change: p.Leu958Arg; replaces leucine 958 with arginine.
Molecular consequence: missense variant. On other transcripts: non-coding transcript variant (1).
Genome position (GRCh38, 1-based): chr6:42,964,405, A>C on the plus strand (T>G on the coding strand, the complement: PEX6 is on the minus strand). VCF-style: chr6-42964405-A-C. GRCh37 (hg19) VCF-style: chr6-42932143-A-C.
Other names: c.2609T>G, p.Leu870Arg (NM_001316313.2); short protein forms L958R, L870R.
Identifiers: ClinVar variation 1506606 (VCV001506606.3), dbSNP rs2114235199, ClinGen allele CA364149355.

ClinVar aggregate classification (germline): Uncertain significance (1 of 4 stars; one submission).

Conditions:
Peroxisome biogenesis disorder. Identifiers: Orphanet 79189, MedGen C1832200, MONDO:0019234. Disease mechanism: loss of function.

Allele frequency attached by ClinVar (database versions not stated): gnomAD exomes below 0.00001.
gnomAD v4.1: 4 of 1,613,806 alleles (0.00025%); highest among the groups gnomAD compares: Non-Finnish European, 0.00034%; no homozygotes.

Submission:

Labcorp Genetics (formerly Invitae), Labcorp
Classification: Uncertain significance for Peroxisome biogenesis disorder. Last evaluated: 2022-03-19. Review status: criteria provided, single submitter. Criteria: Invitae Variant Classification Sherloc (09022015). Collection method: clinical testing. Allele origin: germline.
Comment: This sequence change replaces leucine, which is neutral and non-polar, with arginine, which is basic and polar, at codon 958 of the PEX6 protein (p.Leu958Arg). This variant is not present in population databases (gnomAD no frequency). This variant has not been reported in the literature in individuals affected with PEX6-related conditions. Algorithms developed to predict the effect of missense changes on protein structure and function (SIFT, PolyPhen-2, Align-GVGD) all suggest that this variant is likely to be disruptive. In summary, the available evidence is currently insufficient to determine the role of this variant in disease. Therefore, it has been classified as a Variant of Uncertain Significance.